The following is an entry in ClinVar:

NM_001379286.1(ZNF423):c.3420C>T (p.Ala1140=)

Gene: ZNF423 (zinc finger protein 423; minus strand). Cytogenetic location: 16q12.1.
Variant type: single nucleotide variant.
Coding change: c.3420C>T on transcript NM_001379286.1 (MANE Select); coding-DNA position 3420, C replaced by T.
Protein change: p.Ala1140=; no amino-acid change (alanine 1140 retained).
Molecular consequence: synonymous variant.
Genome position (GRCh38, 1-based): chr16:49,635,756, G>A on the plus strand (C>T on the coding strand, the complement: ZNF423 is on the minus strand). VCF-style: chr16-49635756-G-A. GRCh37 (hg19) VCF-style: chr16-49669667-G-A.
Other names: c.3216C>T, p.Ala1072= (NM_001271620.2); c.3045C>T, p.Ala1015= (NM_001330533.2); c.3396C>T, p.Ala1132= (NM_015069.5); c.3396C>T (NM_015069.4).
Identifiers: ClinVar variation 744543 (VCV000744543.11), dbSNP rs138555234, ClinGen allele CA8046305.
Genomic context (GRCh38, chr16:49,635,756, plus strand): 5'-CCCACTGGTCTCCGGCGTGAGGTCACGGTGGTCCACCTGCATGTGGCTCTCCAGGTCTTC[G>A]GCACTCTCAAACTTGACACTGCACTCGGGGCAACGGAGGCCGGCACAGGGCCGGTCGGCG-3'
Protein context (NP_001366215.1, residues 1130-1150): CPECSVKFES[Ala1140=]EDLESHMQVD

ClinVar aggregate classification (germline): Likely benign. Review status: criteria provided, multiple submitters, no conflicts (2 of 4 stars). 3 submissions from 3 submitters: Likely benign (3). Last evaluated 2026-03-04.

Conditions:
ZNF423-related disorder. Also called: ZNF423-related condition.
Nephronophthisis 14 (NPHP14). Identifiers: Orphanet 2318, MedGen C3539071, MONDO:0013916, OMIM 614844.

Allele frequency attached by ClinVar (database versions not stated): TOPMed 0.00015; ExAC 0.00028; gnomAD 0.00029 and 0.00030; gnomAD exomes 0.00029; ESP Exome Variant Server 0.00031; 1000 Genomes Project 30x 0.00062; 1000 Genomes Project 0.00080.
gnomAD v4.1: 354 of 1,612,910 alleles (0.022%); highest among the groups gnomAD compares: East Asian, 0.02%; no homozygotes.

Submissions (3):

PreventionGenetics, part of Exact Sciences
Classification: Likely benign for ZNF423-related condition. Last evaluated: 2026-03-04. Review status: criteria provided, single submitter. Criteria: ACMG Guidelines, 2015. Collection method: clinical testing. Allele origin: germline.
Comment: This variant is classified as likely benign based on ACMG/AMP sequence variant interpretation guidelines (Richards et al. 2015 PMID: 25741868, with internal and published modifications).

Labcorp Genetics (formerly Invitae), Labcorp
Classification: Likely benign for Nephronophthisis 14. Last evaluated: 2026-01-18. Review status: criteria provided, single submitter. Criteria: Invitae Variant Classification Sherloc (09022015). Collection method: clinical testing. Allele origin: germline.

Blueprint Genetics
Classification: Likely benign. Last evaluated: 2024-04-26. Review status: criteria provided, single submitter. Criteria: ACMG Guidelines, 2015. Collection method: clinical testing. Allele origin: germline.